The following is an entry in ClinVar:

NM_000051.4(ATM):c.8419-7_8419-4del

Genes: ATM (ATM serine/threonine kinase; plus strand), C11orf65 (chromosome 11 open reading frame 65; minus strand). Cytogenetic location: 11q22.3.
Variant type: Deletion.
Coding change: c.8419-7_8419-4del on transcript NM_000051.4 (MANE Select); 7 bases into the intron before coding-DNA position 8419 through 4 bases into the intron before coding-DNA position 8419, 4 bases deleted (TTTA; older notation c.8419-7_8419-4delTTTA).
Molecular consequence: intron variant.
Genome position (GRCh38, 1-based): chr11:108,345,736-108,345,739, TTTA deleted; deleting any 4 consecutive bases within chr11:108,345,734-108,345,739 gives the same sequence; the c. name uses the placement nearest the transcript's 3' end. VCF-style (leftmost placement, unchanged base first): chr11-108345733-CTATT-C. GRCh37 (hg19) VCF-style: chr11-108216460-CTATT-C.
Other names: c.8419-7_8419-4delTTTA (NM_000051.3); c.8419-7_8419-4del (NM_001351834.2); c.641-36666_641-36663del (NM_001330368.2); c.695-10445_695-10442del (NM_001351110.2).
Identifiers: ClinVar variation 181877 (VCV000181877.28), dbSNP rs730881306, ClinGen allele CA298020.
Genomic context (GRCh38, chr11:108,345,733, plus strand): 5'-ATAAAAATGTGTATATTAGTTTAATTGAACACAATATTGAAAAATAATTATATATATTCT[CTATT>C]TAAAGGAGGTGCAAAAAAAGTCTTTTGAAGAGAAATATGAAGTCTTCATGGATGTTTGCC-3'

ClinVar aggregate classification (germline): Conflicting classifications of pathogenicity. Review status: criteria provided, conflicting classifications (1 of 4 stars). 8 submissions from 8 submitters: Uncertain significance (5); Likely benign (1). 2 of the submissions do not count toward it. Last evaluated 2025-08-31.

Conditions:
ATM-related disorder. Also called: ATM-related disorders; ATM-related condition.
Hereditary cancer-predisposing syndrome. Also called: Hereditary Cancer Syndrome; Tumor predisposition; Neoplastic Syndromes, Hereditary; Hereditary neoplastic syndrome. Identifiers: Orphanet 140162, MedGen C0027672, MeSH D009386, MONDO:0015356.
Ataxia-telangiectasia syndrome (AT). Also called: ATAXIA-TELANGIECTASIA, COMPLEMENTATION GROUP A; ATAXIA-TELANGIECTASIA, FRESNO VARIANT; Ataxia-telangiectasia; Ataxia-telangiectasia, complementation group E; Cerebello-oculocutaneous telangiectasia; Immunodeficiency with ataxia telangiectasia. Identifiers: Orphanet 100, MedGen C0004135, MONDO:0008840, OMIM 208900.

Submissions (8):

Labcorp Genetics (formerly Invitae), Labcorp
Classification: Likely benign for Ataxia-telangiectasia syndrome. Last evaluated: 2025-08-31. Review status: criteria provided, single submitter. Criteria: Invitae Variant Classification Sherloc (09022015). Collection method: clinical testing. Allele origin: germline.

Quest Diagnostics Nichols Institute San Juan Capistrano
Classification: Uncertain significance. Last evaluated: 2025-06-24. Review status: criteria provided, single submitter. Criteria: Quest Diagnostics criteria. Collection method: clinical testing. Allele origin: unknown.

Color Diagnostics, LLC DBA Color Health
Classification: Uncertain significance for Hereditary cancer-predisposing syndrome. Last evaluated: 2024-08-19. Review status: criteria provided, single submitter. Criteria: ACMG Guidelines, 2015. Collection method: clinical testing. Allele origin: germline.
Comment: This variant removes 4 nucleotides at the +4 to +7 positions in the intron 57 acceptor region of the ATM gene. Splice site prediction tools predict that this variant may have a significant impact on RNA splicing. To our knowledge, RNA analysis studies have not been reported for this variant. This variant has not been reported in individuals affected with hereditary cancer in the literature. This variant has not been identified in the general population by the Genome Aggregation Database (gnomAD). The available evidence is insufficient to determine the role of this variant in disease conclusively. Therefore, this variant is classified as a Variant of Uncertain Significance.

Ambry Genetics
Classification: Uncertain significance for Hereditary cancer-predisposing syndrome. Last evaluated: 2024-02-01. Review status: criteria provided, single submitter. Criteria: Ambry Variant Classification Scheme 2023. Collection method: clinical testing. Allele origin: germline.
Comment: The c.8419-7_8419-4delTTTA intronic variant, located in intron 56 of the ATM gene, results from a deletion of 4 nucleotides within intron 56 of the ATM gene. This nucleotide region is well conserved in available vertebrate species. In silico splice site analysis for this alteration is inconclusive; however, direct evidence is insufficient at this time (Ambry internal data). Since supporting evidence is limited at this time, the clinical significance of this alteration remains unclear.

Sema4
Classification: Uncertain significance for Hereditary cancer-predisposing syndrome. Last evaluated: 2022-02-02. Review status: criteria provided, single submitter. Criteria: Sema4 Curation Guidelines. Collection method: curation. Allele origin: germline.
Comment: The ATM c.8419-7_8419-4delTTTA variant has not been reported in the literature to our knowledge. It was not observed in the large and broad cohorts of the Genome Aggregation Database (PMID: 32461654). This variant has been reported in ClinVar (Variation ID 181877). Functional studies have not been performed, and in silico predictions of the variant's effect on splicing are inconclusive. The evidence is insufficient to meet ACMG/AMP criteria for classifying the variant as benign or pathogenic. Thus, the clinical significance of this variant is currently uncertain.

GeneDx
Classification: Uncertain significance. Last evaluated: 2014-09-08. Review status: criteria provided, single submitter. Criteria: GeneDx Variant Classification (06012015). Collection method: clinical testing. Allele origin: germline. Affected: yes.
Comment: This variant is denoted ATM c.8419-(7_4)delTTTA or IVS57-(7_4)delTTTA and consists of a deletion of four nucleotides at the -4 to -7 position in intron 57 of the ATM gene. The normal sequence with the bases that are deleted in brackets is tcta[delTTTA]aagG. Multiple in silico models predict this variant to weaken or destroy the nearby natural acceptor site, and to possibly cause abnormal gene splicing. This variant has not, to our knowledge, been published in the literature as pathogenic or benign. The nucleotides that are deleted are moderately conserved across species. Based on currently available information, it is unclear whether ATM c.8419-(7_4)delTTTA is pathogenic or benign. We consider it to be a variant of uncertain significance.

PreventionGenetics, part of Exact Sciences
Classification: Uncertain significance for ATM-related condition. Last evaluated: 2024-08-26. Review status: no assertion criteria provided. Collection method: clinical testing. Allele origin: germline. Not counted in ClinVar's aggregate classification.
Comment: The ATM c.8419-7_8419-4delTTTA variant is predicted to result in an intronic deletion. To our knowledge, this variant has not been reported in the literature or in a large population database, indicating this variant is rare. This variant has conflicting interpretations regarding its pathogenicity in ClinVar, ranging from uncertain significance to likely benign. At this time, the clinical significance of this variant is uncertain due to the absence of conclusive functional and genetic evidence.

Natera, Inc.
Classification: Uncertain significance for Ataxia-telangiectasia. Last evaluated: 2020-09-29. Review status: no assertion criteria provided. Collection method: clinical testing. Allele origin: germline. Not counted in ClinVar's aggregate classification.